The following is an entry in ClinVar:

NM_148960.3(CLDN19):c.314C>T (p.Thr105Met)

Gene: CLDN19 (claudin 19; minus strand). Cytogenetic location: 1p34.2.
Variant type: single nucleotide variant.
Coding change: c.314C>T on transcript NM_148960.3 (MANE Select); coding-DNA position 314, C replaced by T.
Protein change: p.Thr105Met; replaces threonine 105 with methionine.
Molecular consequence: missense variant.
Genome position (GRCh38, 1-based): chr1:42,738,495, G>A on the plus strand (C>T on the coding strand, the complement: CLDN19 is on the minus strand). VCF-style: chr1-42738495-G-A. GRCh37 (hg19) VCF-style: chr1-43204166-G-A.
Other names: c.314C>T, p.Thr105Met (NM_001123395.2, NM_001185117.2); short protein forms T105M.
Identifiers: ClinVar variation 1499546 (VCV001499546.10), dbSNP rs200640147, ClinGen allele CA801407.

ClinVar aggregate classification (germline): Uncertain significance. Review status: criteria provided, multiple submitters, no conflicts (2 of 4 stars). 2 submissions from 2 submitters: Uncertain significance (2). Last evaluated 2024-06-10.

Conditions:
Renal hypomagnesemia 5 with ocular involvement. Also called: HYPOMAGNESEMIA 5, RENAL, WITH OR WITHOUT OCULAR INVOLVEMENT; HYPOMAGNESEMIA, FAMILIAL, WITH HYPERCALCIURIA, NEPHROCALCINOSIS, AND SEVERE OCULAR INVOLVEMENT; MACULAR COLOBOMA, BILATERAL, WITH HYPERCALCIURIA; FHHNC WITH SEVERE OCULAR INVOLVEMENT. Identifiers: Orphanet 2196, MedGen C4721891, MONDO:0009548, OMIM 248190.

Allele frequency attached by ClinVar (database versions not stated): gnomAD exomes 0.00002; TOPMed 0.00002; ExAC 0.00003; gnomAD 0.00004; 1000 Genomes Project 30x 0.00016; 1000 Genomes Project 0.00020.
gnomAD v4.1: 37 of 1,614,032 alleles (0.0023%); highest among the groups gnomAD compares: African/African-American, 0.0093%; no homozygotes.

Submissions (2):

Fulgent Genetics
Classification: Uncertain significance for Renal hypomagnesemia 5 with ocular involvement. Last evaluated: 2024-06-10. Review status: criteria provided, single submitter. Criteria: ACMG Guidelines, 2015. Collection method: clinical testing. Allele origin: germline.

Labcorp Genetics (formerly Invitae), Labcorp
Classification: Uncertain significance. Last evaluated: 2023-06-04. Review status: criteria provided, single submitter. Criteria: Invitae Variant Classification Sherloc (09022015). Collection method: clinical testing. Allele origin: germline.
Comment: In summary, the available evidence is currently insufficient to determine the role of this variant in disease. Therefore, it has been classified as a Variant of Uncertain Significance. An algorithm developed to predict the effect of missense changes on protein structure and function (PolyPhen-2) suggests that this variant is likely to be disruptive. ClinVar contains an entry for this variant (Variation ID: 1499546). This variant has not been reported in the literature in individuals affected with CLDN19-related conditions. This variant is present in population databases (rs200640147, gnomAD 0.02%). This sequence change replaces threonine, which is neutral and polar, with methionine, which is neutral and non-polar, at codon 105 of the CLDN19 protein (p.Thr105Met).